The following is an entry in ClinVar:

ClinVar aggregate classification (germline): Likely pathogenic (1 of 4 stars; one submission).

Conditions:
Primary ciliary dyskinesia 3. Identifiers: Orphanet 244, MedGen C1837618, MONDO:0012085, OMIM 608644.

Submission:

Myriad Genetics, Inc.
Classification: Likely pathogenic for Primary ciliary dyskinesia 3. Last evaluated: 2022-02-25. Review status: criteria provided, single submitter. Criteria: Myriad Women's Health Autosomal Recessive and X-Linked Classification Criteria (2021). Collection method: clinical testing. Allele origin: unknown.
Comment: NM_001369.2(DNAH5):c.5181_5182delGA(E1727Dfs*20) is expected to be pathogenic in the context of DNAH5-related primary ciliary dyskinesia. This variant is predicted to lead to an abnormal or absent protein product due to the creation of a premature termination codon in DNAH5, a gene where loss-of-function variants are known to be pathogenic. Please note: this variant was assessed in the context of healthy population screening.

NM_001369.3(DNAH5):c.5181_5182del (p.Glu1727fs)

Gene: DNAH5 (dynein axonemal heavy chain 5; minus strand). Cytogenetic location: 5p15.2.
Variant type: Microsatellite.
Coding change: c.5181_5182del on transcript NM_001369.3 (MANE Select); coding-DNA positions 5181 to 5182, 2 bases deleted (GA; older notation c.5181_5182delGA).
Protein change: p.Glu1727fs; shifts the reading frame from glutamic acid 1727.
Molecular consequence: frameshift variant.
Genome position (GRCh38, 1-based): chr5:13,844,926-13,844,927, TC deleted on the plus strand (GA on the coding strand, the reverse complement: DNAH5 is on the minus strand); deleting any 2 consecutive bases within chr5:13,844,926-13,844,930 gives the same sequence; the c. name uses the placement nearest the transcript's 3' end. VCF-style (leftmost placement, unchanged base first): chr5-13844925-ATC-A. GRCh37 (hg19) VCF-style: chr5-13845034-ATC-A.
Other names: short protein forms E1727fs.
Identifiers: ClinVar variation 1724755 (VCV001724755.2), dbSNP rs2546922985, ClinGen allele CA2580613522.